The following is an entry in ClinVar:

ClinVar aggregate classification (germline): Pathogenic (1 of 4 stars; one submission).

Conditions:
Familial cancer of breast. Also called: BREAST CANCER, FAMILIAL; Hereditary breast cancer; hereditary breast carcinoma. Identifiers: Orphanet 227535, MedGen C0346153, MONDO:0016419, OMIM 114480. Disease mechanism: loss of function.

Submission:

Department of Clinical Genetics, Copenhagen University Hospital, Rigshospitalet
Classification: Pathogenic for Familial cancer of breast. Last evaluated: 2025-12-10. Review status: criteria provided, single submitter. Criteria: ACMG Guidelines, 2015. Collection method: clinical testing. Allele origin: germline.
Comment: The following ACMG criteria has been used: PM2_SUP; PVS1; PM5_Strong (PTC)

Literature cited by the submitters: PubMed 21318380.

NM_007294.4(BRCA1):c.2849dup (p.Ser950_Arg951insTer)

Gene: BRCA1 (BRCA1 DNA repair associated; minus strand). Cytogenetic location: 17q21.31.
Variant type: Duplication.
Coding change: c.2849dup on transcript NM_007294.4 (MANE Select); coding-DNA position 2849, one base duplicated (C; older notation c.2849dupC).
Protein change: p.Ser950_Arg951insTer.
Molecular consequence: frameshift variant. On other transcripts: intron variant (137).
Genome position (GRCh38, 1-based): chr17:43,092,682, G duplicated on the plus strand (C on the coding strand, the reverse complement: BRCA1 is on the minus strand). VCF-style (leftmost placement, unchanged base first): chr17-43092681-A-AG. GRCh37 (hg19) VCF-style: chr17-41244698-A-AG.
Other names: c.662-1650dup (NM_001408435.1, NM_001408448.1, NM_001408445.1 and 6 more transcripts); c.785-1650dup (NM_001408401.1, NM_001408396.1, NM_001407985.1 and 13 more transcripts); c.548-1650dup (NM_001408494.1); c.665-1650dup (NM_001408444.1, NM_001408438.1, NM_001408430.1 and 12 more transcripts); c.671-1650dup (NM_001408423.1, NM_001408420.1, NM_001408419.1 and 2 more transcripts); c.788-1650dup (NM_001408404.1, NM_001408472.1, NM_001407990.1 and 17 more transcripts); c.788-543dup (NM_001407969.1, NM_001407968.1); c.578-1650dup (NM_001408492.1, NM_001408513.1, NM_001408489.1 and 9 more transcripts); and 41 more.
Identifiers: ClinVar variation 4871825 (VCV004871825.1).